The following is an entry in ClinVar:

ClinVar aggregate classification (germline): Uncertain significance (1 of 4 stars; one submission).

gnomAD v4.1: 1 of 1,174,372 alleles (0.000085%); no homozygotes.

Submission:

Labcorp Genetics (formerly Invitae), Labcorp
Classification: Uncertain significance. Last evaluated: 2025-04-22. Review status: criteria provided, single submitter. Criteria: Invitae Variant Classification Sherloc (09022015). Collection method: clinical testing. Allele origin: germline.
Comment: This sequence change replaces aspartic acid, which is acidic and polar, with glutamic acid, which is acidic and polar, at codon 12 of the PLS3 protein (p.Asp12Glu). This variant is present in population databases (no rsID available, gnomAD no frequency). This variant has not been reported in the literature in individuals affected with PLS3-related conditions. An algorithm developed to predict the effect of missense changes on protein structure and function (PolyPhen-2) suggests that this variant is likely to be tolerated. In summary, the available evidence is currently insufficient to determine the role of this variant in disease. Therefore, it has been classified as a Variant of Uncertain Significance.

NM_005032.7(PLS3):c.36T>A (p.Asp12Glu)

Gene: PLS3 (plastin 3; plus strand). Cytogenetic location: Xq23.
Variant type: single nucleotide variant.
Coding change: c.36T>A on transcript NM_005032.7 (MANE Select); coding-DNA position 36, T replaced by A.
Protein change: p.Asp12Glu; replaces aspartic acid 12 with glutamic acid.
Molecular consequence: missense variant. On other transcripts: 5 prime UTR variant (2).
Genome position (GRCh38, 1-based): chrX:115,610,286, T>A. VCF-style: chrX-115610286-T-A. GRCh37 (hg19) VCF-style: chrX-114844598-T-A.
Other names: c.36T>A, p.Asp12Glu (NM_001136025.5, NM_001172335.3, NM_001440791.1 and 1 more transcripts); c.-150T>A (NM_001282337.2); c.-482T>A (NM_001282338.2); short protein forms D12E.
Identifiers: ClinVar variation 4736909 (VCV004736909.1).
Genomic context (GRCh38, chrX:115,610,286, plus strand): 5'-TTTTGGTTTTTCTTTAGATCTTTAAATGGATGAGATGGCTACCACTCAGATTTCCAAAGA[T>A]GAGCTTGATGAACTCAAAGAGGCCTTTGCAAAAGTTGGTGAGTATTTTTTGTAGTAAAAC-3'
Protein context (NP_005023.2, residues 2-22): DEMATTQISK[Asp12Glu]ELDELKEAFA